The following is an entry in ClinVar:

NM_000836.4(GRIN2D):c.2790_2805del (p.Pro931fs)

Gene: GRIN2D (glutamate ionotropic receptor NMDA type subunit 2D; plus strand). Cytogenetic location: 19q13.33.
Variant type: Deletion.
Coding change: c.2790_2805del on transcript NM_000836.4 (MANE Select); coding-DNA positions 2790 to 2805, 16 bases deleted (ACCTTTCGTGCCCCGC).
Protein change: p.Pro931fs; shifts the reading frame from proline 931.
Molecular consequence: frameshift variant.
Genome position (GRCh38, 1-based): chr19:48,442,716-48,442,731, ACCTTTCGTGCCCCGC deleted; deleting any 16 consecutive bases within chr19:48,442,711-48,442,731 gives the same sequence; the c. name uses the placement nearest the transcript's 3' end. VCF-style (leftmost placement, unchanged base first): chr19-48442710-GCCCGCACCTTTCGTGC-G. GRCh37 (hg19) VCF-style: chr19-48945967-GCCCGCACCTTTCGTGC-G.
Other names: short protein forms P931fs.
Identifiers: ClinVar variation 2033873 (VCV002033873.4), dbSNP rs2513691837, ClinGen allele CA2580097482.

ClinVar aggregate classification (germline): Uncertain significance (1 of 4 stars; one submission).

Submission:

Labcorp Genetics (formerly Invitae), Labcorp
Classification: Uncertain significance. Last evaluated: 2022-10-03. Review status: criteria provided, single submitter. Criteria: Invitae Variant Classification Sherloc (09022015). Collection method: clinical testing. Allele origin: germline.
Comment: In summary, the available evidence is currently insufficient to determine the role of this variant in disease. Therefore, it has been classified as a Variant of Uncertain Significance. Experimental studies and prediction algorithms are not available or were not evaluated, and the functional significance of this variant is currently unknown. This variant has not been reported in the literature in individuals affected with GRIN2D-related conditions. The frequency data for this variant in the population databases is considered unreliable, as metrics indicate insufficient coverage at this position in the gnomAD database. This sequence change creates a premature translational stop signal (p.Pro931Serfs*38) in the GRIN2D gene. While this is not anticipated to result in nonsense mediated decay, it is expected to disrupt the last 406 amino acid(s) of the GRIN2D protein.